The following is an entry in ClinVar:

ClinVar aggregate classification (germline): Uncertain significance (1 of 4 stars; one submission).

Conditions:
AHDC1-related intellectual disability - obstructive sleep apnea - mild dysmorphism syndrome. Also called: Xia-Gibbs syndrome. Identifiers: Orphanet 412069, MedGen C4014419, MONDO:0014358, OMIM 615829.

Submission:

Centre for Mendelian Genomics, University Medical Centre Ljubljana
Classification: Uncertain significance for AHDC1-related intellectual disability - obstructive sleep apnea - mild dysmorphism syndrome. Last evaluated: 2018-11-07. Review status: criteria provided, single submitter. Criteria: ACMG Guidelines, 2015. Collection method: clinical testing. Allele origin: unknown. Affected: yes.
Comment: This variant was classified as: Uncertain significance. The available evidence on this variant's pathogenicity is insufficient or conflicting. The following ACMG criteria were applied in classifying this variant: PM2,BP1.

NM_001371928.1(AHDC1):c.1285C>G (p.Pro429Ala)

Gene: AHDC1 (AT-hook DNA binding motif containing 1; minus strand). Cytogenetic location: 1p36.11.
Variant type: single nucleotide variant.
Coding change: c.1285C>G on transcript NM_001371928.1 (MANE Select); coding-DNA position 1285, C replaced by G.
Protein change: p.Pro429Ala; replaces proline 429 with alanine.
Molecular consequence: missense variant.
Genome position (GRCh38, 1-based): chr1:27,550,831, G>C on the plus strand (C>G on the coding strand, the complement: AHDC1 is on the minus strand). VCF-style: chr1-27550831-G-C. GRCh37 (hg19) VCF-style: chr1-27877342-G-C.
Other names: c.1285C>G, p.Pro429Ala (NM_001029882.3); short protein forms P429A.
Identifiers: ClinVar variation 931766 (VCV000931766.3), dbSNP rs2019504014, ClinGen allele CA339234660.